The following is an entry in ClinVar:

NM_001394062.1(MACF1):c.21523+3G>C

Gene: MACF1 (microtubule actin crosslinking factor 1; plus strand). Cytogenetic location: 1p34.3.
Variant type: single nucleotide variant.
Coding change: c.21523+3G>C on transcript NM_001394062.1 (MANE Select); 3 bases into the intron after coding-DNA position 21523, G replaced by C.
Molecular consequence: intron variant.
Genome position (GRCh38, 1-based): chr1:39,460,797, G>C. VCF-style: chr1-39460797-G-C. GRCh37 (hg19) VCF-style: chr1-39926469-G-C.
Other names: c.15346+3G>C (NM_012090.5); c.9601+3G>C (NM_001397473.1).
Identifiers: ClinVar variation 1707785 (VCV001707785.2), dbSNP rs2523329585, ClinGen allele CA2580062718.

ClinVar aggregate classification (germline): Uncertain significance (1 of 4 stars; one submission).

Submission:

GeneDx
Classification: Uncertain significance. Last evaluated: 2022-03-29. Review status: criteria provided, single submitter. Criteria: GeneDx Variant Classification Process June 2021. Collection method: clinical testing. Allele origin: germline. Affected: yes.
Comment: Not observed at significant frequency in large population cohorts (gnomAD); In silico analysis supports a deleterious effect on splicing; Has not been previously published as pathogenic or benign to our knowledge